The following is an entry in ClinVar:

NM_006767.4(LZTR1):c.1423A>C (p.Thr475Pro)

Gene: LZTR1 (leucine zipper like post translational regulator 1; plus strand). Cytogenetic location: 22q11.21.
Variant type: single nucleotide variant.
Coding change: c.1423A>C on transcript NM_006767.4 (MANE Select); coding-DNA position 1423, A replaced by C.
Protein change: p.Thr475Pro; replaces threonine 475 with proline.
Molecular consequence: missense variant.
Genome position (GRCh38, 1-based): chr22:20,993,993, A>C. VCF-style: chr22-20993993-A-C. GRCh37 (hg19) VCF-style: chr22-21348282-A-C.
Other names: short protein forms T475P.
Identifiers: ClinVar variation 4705217 (VCV004705217.1).

ClinVar aggregate classification (germline): Uncertain significance (1 of 4 stars; one submission).

Submission:

Labcorp Genetics (formerly Invitae), Labcorp
Classification: Uncertain significance. Last evaluated: 2025-04-11. Review status: criteria provided, single submitter. Criteria: Invitae Variant Classification Sherloc (09022015). Collection method: clinical testing. Allele origin: germline.
Comment: This sequence change replaces threonine, which is neutral and polar, with proline, which is neutral and non-polar, at codon 475 of the LZTR1 protein (p.Thr475Pro). This variant is not present in population databases (gnomAD no frequency). This variant has not been reported in the literature in individuals affected with LZTR1-related conditions. Invitae Evidence Modeling of protein sequence and biophysical properties (such as structural, functional, and spatial information, amino acid conservation, physicochemical variation, residue mobility, and thermodynamic stability) indicates that this missense variant is not expected to disrupt LZTR1 protein function with a negative predictive value of 80%. In summary, the available evidence is currently insufficient to determine the role of this variant in disease. Therefore, it has been classified as a Variant of Uncertain Significance.